The following is an entry in ClinVar:

NM_080425.4(GNAS):c.2069-5153G>A

Gene: GNAS (GNAS complex locus; plus strand). Cytogenetic location: 20q13.32.
Variant type: single nucleotide variant.
Coding change: c.2069-5153G>A on transcript NM_080425.4 (MANE Plus Clinical); 5153 bases into the intron before coding-DNA position 2069, G replaced by A.
Molecular consequence: intron variant.
Genome position (GRCh38, 1-based): chr20:58,890,459, G>A. VCF-style: chr20-58890459-G-A. GRCh37 (hg19) VCF-style: chr20-57465514-G-A.
Other names: c.*43-5153G>A (NM_016592.5); c.44-5153G>A (NM_001410912.1); c.-38-5153G>A (NM_001309861.2); c.*1-5153G>A (NM_001077490.3); c.2069-5153G>A (NM_001410913.1); c.*159-5153G>A (NM_001309883.1); c.-39+1106G>A (NM_001438273.1, NM_001309840.2); c.-39+1127G>A (NM_001439291.1, NM_001438274.1).
Identifiers: ClinVar variation 3771838 (VCV003771838.13).

ClinVar aggregate classification (germline): Likely benign (1 of 4 stars; one submission).

gnomAD v4.1: 7 of 151,942 alleles (0.0046%); highest among the groups gnomAD compares: Admixed American, 0.013%; no homozygotes.

Submission:

CeGaT Center for Human Genetics Tuebingen
Classification: Likely benign. Last evaluated: 2026-05-01. Review status: criteria provided, single submitter. Criteria: CeGaT Center For Human Genetics Tuebingen Variant Classification Criteria Version 2. Collection method: clinical testing. Allele origin: germline. Affected: yes. Observed: 2 variant alleles.
Comment: GNAS: BP4, BP7